The following is an entry in ClinVar:

ClinVar aggregate classification (germline): Likely benign. Review status: reviewed by expert panel (3 of 4 stars). 3 submissions from 3 submitters: Likely benign (1). 2 of the submissions do not count toward it. Last evaluated 2025-01-09.

Conditions:
Autosomal recessive limb-girdle muscular dystrophy. Identifiers: Orphanet 102015, MedGen C2931907, MONDO:0015152.
Autosomal recessive limb-girdle muscular dystrophy type 2C (LGMDR5). Also called: MUSCULAR DYSTROPHY, LIMB-GIRDLE, AUTOSOMAL RECESSIVE 5; MUSCULAR DYSTROPHY, DUCHENNE-LIKE. Identifiers: Orphanet 353, MedGen C0410173, MONDO:0009677, OMIM 253700. Disease mechanism: Affects gamma-sarcoglycan and also disrupts the integrity of the entire sarcoglycan complex..

Allele frequency attached by ClinVar (database versions not stated): ESP Exome Variant Server 0.00008; gnomAD 0.00014 and 0.00020; gnomAD exomes 0.00036; 1000 Genomes Project 30x 0.00047; 1000 Genomes Project 0.00060; ExAC 0.00094.
gnomAD v4.1: 280 of 1,471,156 alleles (0.019%); highest among the groups gnomAD compares: South Asian, 0.22%; 2 homozygotes.

Submissions (3):

ClinGen Limb Girdle Muscular Dystrophy Variant Curation Expert Panel, ClinGen
Classification: Likely benign for Autosomal recessive limb-girdle muscular dystrophy. Last evaluated: 2025-01-09. Review status: reviewed by expert panel. Criteria: ClinGen LGMD VCEP ACMG Specifications SGCG V1.0.0. Collection method: curation. Allele origin: germline. Inheritance: Autosomal recessive inheritance.
Comment: The NM_000231.3: c.579-17T>G variant in SGCG is an intronic variant that occurs in a splice region (+7/-21). The filtering allele frequency for this variant is 0.001937 for the South Asian population in gnomAD v4.1.0 (the lower threshold of the 95% CI of 172/77950 exome chromosomes), which is greater than the ClinGen LGMD VCEP threshold of 0.0009 for BS1, and therefore meets this criterion (BS1). The SpliceAI prediction score for this variant is 0.18, which is greater than the LGMD threshold of 0.05 (BP4, BP7 not met). In summary, this variant meets the criteria to be classified as Likely Benign for autosomal recessive limb girdle muscular dystrophy based on the ACMG/AMP criteria applied, as specified by the LGMD VCEP (LGMD VCEP specifications version 1.0.0; 01/09/2025): BS1.

Labcorp Genetics (formerly Invitae), Labcorp
Classification: Benign for Autosomal recessive limb-girdle muscular dystrophy type 2C. Last evaluated: 2026-01-25. Review status: criteria provided, single submitter. Criteria: Invitae Variant Classification Sherloc (09022015). Collection method: clinical testing. Allele origin: germline. Not counted in ClinVar's aggregate classification.

Blueprint Genetics
Classification: Likely benign. Last evaluated: 2024-02-07. Review status: criteria provided, single submitter. Criteria: ACMG Guidelines, 2015. Collection method: clinical testing. Allele origin: germline. Not counted in ClinVar's aggregate classification.

NM_000231.3(SGCG):c.579-17T>G

Gene: SGCG (sarcoglycan gamma; plus strand). Cytogenetic location: 13q12.12.
Variant type: single nucleotide variant.
Coding change: c.579-17T>G on transcript NM_000231.3 (MANE Select); 17 bases into the intron before coding-DNA position 579, T replaced by G.
Molecular consequence: intron variant.
Genome position (GRCh38, 1-based): chr13:23,320,620, T>G. VCF-style: chr13-23320620-T-G. GRCh37 (hg19) VCF-style: chr13-23894759-T-G.
Other names: c.633-17T>G (NM_001378244.1); c.579-17T>G (NM_001378245.1, NM_001378246.1).
Identifiers: ClinVar variation 1553316 (VCV001553316.10), dbSNP rs368025607, ClinGen allele CA6909790.